The following is an entry in ClinVar:

ClinVar aggregate classification (germline): Uncertain significance (1 of 4 stars; one submission).

Conditions:
Episodic ataxia type 1 (EA1). Also called: ATAXIA, EPISODIC, WITH MYOKYMIA; MYOKYMIA WITH PERIODIC ATAXIA; PAROXYSMAL ATAXIA WITH NEUROMYOTONIA, HEREDITARY; Episodic ataxia/myokymia syndrome. Identifiers: Orphanet 37612, Orphanet 972, MedGen C1719788, MONDO:0008047, OMIM 160120.

Submission:

Labcorp Genetics (formerly Invitae), Labcorp
Classification: Uncertain significance for Episodic ataxia type 1. Last evaluated: 2022-11-05. Review status: criteria provided, single submitter. Criteria: Invitae Variant Classification Sherloc (09022015). Collection method: clinical testing. Allele origin: germline.
Comment: This sequence change replaces threonine, which is neutral and polar, with methionine, which is neutral and non-polar, at codon 247 of the KCNA1 protein (p.Thr247Met). In summary, the available evidence is currently insufficient to determine the role of this variant in disease. Therefore, it has been classified as a Variant of Uncertain Significance. Advanced modeling of protein sequence and biophysical properties (such as structural, functional, and spatial information, amino acid conservation, physicochemical variation, residue mobility, and thermodynamic stability) performed at Invitae indicates that this missense variant is not expected to disrupt KCNA1 protein function. This variant has not been reported in the literature in individuals affected with KCNA1-related conditions. This variant is not present in population databases (gnomAD no frequency).

NM_000217.3(KCNA1):c.740C>T (p.Thr247Met)

Gene: KCNA1 (potassium voltage-gated channel subfamily A member 1; plus strand). Cytogenetic location: 12p13.32.
Variant type: single nucleotide variant.
Coding change: c.740C>T on transcript NM_000217.3 (MANE Select); coding-DNA position 740, C replaced by T.
Protein change: p.Thr247Met; replaces threonine 247 with methionine.
Molecular consequence: missense variant.
Genome position (GRCh38, 1-based): chr12:4,912,118, C>T. VCF-style: chr12-4912118-C-T. GRCh37 (hg19) VCF-style: chr12-5021284-C-T.
Other names: short protein forms T247M.
Identifiers: ClinVar variation 2812215 (VCV002812215.3), dbSNP rs1265751197, ClinGen allele CA383455225.